The following is an entry in ClinVar:

NM_003114.5(SPAG1):c.1512T>G (p.Ser504Arg)

Gene: SPAG1 (sperm associated antigen 1; plus strand). Cytogenetic location: 8q22.2.
Variant type: single nucleotide variant.
Coding change: c.1512T>G on transcript NM_003114.5 (MANE Select); coding-DNA position 1512, T replaced by G.
Protein change: p.Ser504Arg; replaces serine 504 with arginine.
Molecular consequence: missense variant.
Genome position (GRCh38, 1-based): chr8:100,213,895, T>G. VCF-style: chr8-100213895-T-G. GRCh37 (hg19) VCF-style: chr8-101226123-T-G.
Other names: c.1512T>G, p.Ser504Arg (NM_001374321.1, NM_172218.3); short protein forms S504R.
Identifiers: ClinVar variation 2447984 (VCV002447984.2), dbSNP rs768753920, ClinGen allele CA4827510.
Genomic context (GRCh38, chr8:100,213,895, plus strand): 5'-TGATCTAAGTATCTTATATTCAAATAGAGCAGCATGTTACCTAAAAGAAGGAAACTGCAG[T>G]GGCTGCATTCAAGATTGTAACAGGTAAACTGCACGTTTTCAGGTTTGTCAAGAGATTGTT-3'
Protein context (NP_003105.2, residues 494-514): AACYLKEGNC[Ser504Arg]GCIQDCNRAL

ClinVar aggregate classification (germline): Uncertain significance (1 of 4 stars; one submission).

Conditions:
Primary ciliary dyskinesia. Also called: Ciliary dyskinesia. Identifiers: Orphanet 244, MedGen C0008780, MONDO:0016575, HP:0012265.

Allele frequency attached by ClinVar (database versions not stated): TOPMed below 0.00001; ExAC 0.00001; gnomAD 0.00001.
gnomAD v4.1: 1 of 1,601,174 alleles (0.000062%); highest among the groups gnomAD compares: African/African-American, 0.0013%; no homozygotes.

Submission:

Ambry Genetics
Classification: Uncertain significance for Primary ciliary dyskinesia. Last evaluated: 2022-11-27. Review status: criteria provided, single submitter. Criteria: Ambry Variant Classification Scheme 2023. Collection method: clinical testing. Allele origin: germline.
Comment: The p.S504R variant (also known as c.1512T>G), located in coding exon 11 of the SPAG1 gene, results from a T to G substitution at nucleotide position 1512. The serine at codon 504 is replaced by arginine, an amino acid with dissimilar properties. This amino acid position is conserved. In addition, this alteration is predicted to be tolerated by in silico analysis. Since supporting evidence is limited at this time, the clinical significance of this alteration remains unclear.